The following is an entry in ClinVar:

NM_021076.4(NEFH):c.2688G>C (p.Glu896Asp)

Gene: NEFH (neurofilament heavy chain; plus strand). Cytogenetic location: 22q12.2.
Variant type: single nucleotide variant.
Coding change: c.2688G>C on transcript NM_021076.4 (MANE Select); coding-DNA position 2688, G replaced by C.
Protein change: p.Glu896Asp; replaces glutamic acid 896 with aspartic acid.
Molecular consequence: missense variant.
Genome position (GRCh38, 1-based): chr22:29,490,328, G>C. VCF-style: chr22-29490328-G-C. GRCh37 (hg19) VCF-style: chr22-29886317-G-C.
Other names: short protein forms E896D.
Identifiers: ClinVar variation 3692232 (VCV003692232.2).
Genomic context (GRCh38, chr22:29,490,328, plus strand): 5'-GAAGAAGGAACCTGCTGTCGAAAAGCCCAAAGAATCCAAAGTTGAAGCCAAGAAGGAAGA[G>C]GCTGAAGATAAGAAAAAAGTCCCCACCCCAGAGAAGGAGGCTCCTGCCAAGGTGGAGGTG-3'
Protein context (NP_066554.2, residues 886-906): KESKVEAKKE[Glu896Asp]AEDKKKVPTP

ClinVar aggregate classification (germline): Uncertain significance (1 of 4 stars; one submission).

Submission:

Labcorp Genetics (formerly Invitae), Labcorp
Classification: Uncertain significance. Last evaluated: 2024-07-01. Review status: criteria provided, single submitter. Criteria: Invitae Variant Classification Sherloc (09022015). Collection method: clinical testing. Allele origin: germline.
Comment: This sequence change replaces glutamic acid, which is acidic and polar, with aspartic acid, which is acidic and polar, at codon 896 of the NEFH protein (p.Glu896Asp). This variant is not present in population databases (gnomAD no frequency). This variant has not been reported in the literature in individuals affected with NEFH-related conditions. Advanced modeling of protein sequence and biophysical properties (such as structural, functional, and spatial information, amino acid conservation, physicochemical variation, residue mobility, and thermodynamic stability) performed at Invitae indicates that this missense variant is not expected to disrupt NEFH protein function with a negative predictive value of 95%. In summary, the available evidence is currently insufficient to determine the role of this variant in disease. Therefore, it has been classified as a Variant of Uncertain Significance.